The following is an entry in ClinVar:

NM_014231.5(VAMP1):c.20C>T (p.Pro7Leu)

Genes: TAPBPL (TAP binding protein like; plus strand), VAMP1 (vesicle associated membrane protein 1; minus strand). Cytogenetic location: 12p13.31.
Variant type: single nucleotide variant.
Coding change: c.20C>T on transcript NM_014231.5 (MANE Select); coding-DNA position 20, C replaced by T.
Protein change: p.Pro7Leu; replaces proline 7 with leucine.
Molecular consequence: missense variant.
Genome position (GRCh38, 1-based): chr12:6,466,334, G>A on the plus strand (C>T on the coding strand, the complement: VAMP1 is on the minus strand). VCF-style: chr12-6466334-G-A. GRCh37 (hg19) VCF-style: chr12-6575500-G-A.
Other names: c.20C>T, p.Pro7Leu (NM_001297438.2, NM_016830.4, NM_199245.3); short protein forms P7L.
Identifiers: ClinVar variation 2051611 (VCV002051611.4), dbSNP rs1242930365, ClinGen allele CA383559905.

ClinVar aggregate classification (germline): Uncertain significance (1 of 4 stars; one submission).

Conditions:
Spastic paraplegia. Identifiers: MedGen C0037772, HP:0001258.

Allele frequency attached by ClinVar (database versions not stated): gnomAD exomes below 0.00001; gnomAD 0.00001; TOPMed 0.00001.
gnomAD v4.1: 7 of 1,613,658 alleles (0.00043%); highest among the groups gnomAD compares: African/African-American, 0.0013%; no homozygotes.

Submission:

Labcorp Genetics (formerly Invitae), Labcorp
Classification: Uncertain significance for Spastic paraplegia. Last evaluated: 2025-12-08. Review status: criteria provided, single submitter. Criteria: Invitae Variant Classification Sherloc (09022015). Collection method: clinical testing. Allele origin: germline.
Comment: This sequence change replaces proline, which is neutral and non-polar, with leucine, which is neutral and non-polar, at codon 7 of the VAMP1 protein (p.Pro7Leu). This variant is present in population databases (no rsID available, gnomAD 0.007%). This variant has not been reported in the literature in individuals affected with VAMP1-related conditions. ClinVar contains an entry for this variant (Variation ID: 2051611). An algorithm developed to predict the effect of missense changes on protein structure and function (PolyPhen-2) suggests that this variant is likely to be tolerated. In summary, the available evidence is currently insufficient to determine the role of this variant in disease. Therefore, it has been classified as a Variant of Uncertain Significance.